The following is an entry in ClinVar:

ClinVar aggregate classification (germline): Uncertain significance. Review status: criteria provided, multiple submitters, no conflicts (2 of 4 stars). 4 submissions from 4 submitters: Uncertain significance (4). Last evaluated 2025-06-11.

Conditions:
Breast and/or ovarian cancer. Identifiers: MedGen CN221562.
Hereditary nonpolyposis colorectal neoplasms. Identifiers: MedGen C0009405, MeSH D003123.
Hereditary cancer-predisposing syndrome. Also called: Neoplastic Syndromes, Hereditary; Tumor predisposition; Hereditary Cancer Syndrome; Hereditary neoplastic syndrome. Identifiers: Orphanet 140162, MedGen C0027672, MeSH D009386, MONDO:0015356.

Submissions (4):

Color Diagnostics, LLC DBA Color Health
Classification: Uncertain significance for Hereditary cancer-predisposing syndrome. Last evaluated: 2025-06-11. Review status: criteria provided, single submitter. Criteria: ACMG Guidelines, 2015. Collection method: clinical testing. Allele origin: germline.
Comment: This missense variant replaces phenylalanine with leucine at codon 709 of the PMS2 protein. Computational prediction is inconclusive regarding the impact of this variant on protein structure and function. To our knowledge, functional studies have not been reported for this variant. This variant has not been reported in individuals affected with PMS2-related disorders in the literature. This variant has not been identified in the general population by the Genome Aggregation Database (gnomAD). The available evidence is insufficient to determine the role of this variant in disease conclusively. Therefore, this variant is classified as a Variant of Uncertain Significance.

CHEO Genetics Diagnostic Laboratory, Children's Hospital of Eastern Ontario
Classification: Uncertain significance for Breast and/or ovarian cancer. Last evaluated: 2022-05-18. Review status: criteria provided, single submitter. Criteria: ACMG Guidelines, 2015. Collection method: clinical testing. Allele origin: germline.

Ambry Genetics
Classification: Uncertain significance for Hereditary cancer-predisposing syndrome. Last evaluated: 2022-01-10. Review status: criteria provided, single submitter. Criteria: Ambry Variant Classification Scheme 2023. Collection method: clinical testing. Allele origin: germline.
Comment: The p.F709L variant (also known as c.2127C>A), located in coding exon 12 of the PMS2 gene, results from a C to A substitution at nucleotide position 2127. The phenylalanine at codon 709 is replaced by leucine, an amino acid with highly similar properties. This amino acid position is conserved. In addition, this alteration is predicted to be deleterious by in silico analysis. Since supporting evidence is limited at this time, the clinical significance of this alteration remains unclear.

Labcorp Genetics (formerly Invitae), Labcorp
Classification: Uncertain significance for Hereditary nonpolyposis colorectal neoplasms. Last evaluated: 2021-08-12. Review status: criteria provided, single submitter. Criteria: Invitae Variant Classification Sherloc (09022015). Collection method: clinical testing. Allele origin: germline.
Comment: This sequence change replaces phenylalanine with leucine at codon 709 of the PMS2 protein (p.Phe709Leu). The phenylalanine residue is moderately conserved and there is a small physicochemical difference between phenylalanine and leucine. This variant has not been reported in the literature in individuals affected with PMS2-related conditions. Algorithms developed to predict the effect of missense changes on protein structure and function are either unavailable or do not agree on the potential impact of this missense change (SIFT: "Deleterious"; PolyPhen-2: "Probably Damaging"; Align-GVGD: "Class C0"). In summary, the available evidence is currently insufficient to determine the role of this variant in disease. Therefore, it has been classified as a Variant of Uncertain Significance.

NM_000535.7(PMS2):c.2127C>A (p.Phe709Leu)

Gene: PMS2 (PMS1 homolog 2, mismatch repair system component; minus strand). Cytogenetic location: 7p22.1.
Variant type: single nucleotide variant.
Coding change: c.2127C>A on transcript NM_000535.7 (MANE Select); coding-DNA position 2127, C replaced by A.
Protein change: p.Phe709Leu; replaces phenylalanine 709 with leucine.
Molecular consequence: missense variant. On other transcripts: non-coding transcript variant (1).
Genome position (GRCh38, 1-based): chr7:5,982,871, G>T on the plus strand (C>A on the coding strand, the complement: PMS2 is on the minus strand). VCF-style: chr7-5982871-G-T. GRCh37 (hg19) VCF-style: chr7-6022502-G-T.
Other names: c.1809C>A, p.Phe603Leu (NM_001322007.2, NM_001322008.2, NM_001406876.1 and 1 more transcripts); c.1722C>A, p.Phe574Leu (NM_001322009.2, NM_001406887.1, NM_001406888.1 and 15 more transcripts); c.1566C>A, p.Phe522Leu (NM_001322010.2, NM_001406906.1, NM_001406907.1); c.1194C>A, p.Phe398Leu (NM_001322011.2, NM_001322012.2); c.1554C>A, p.Phe518Leu (NM_001322013.2, NM_001406909.1); c.2127C>A, p.Phe709Leu (NM_001322014.2, NM_001406871.1); c.1818C>A, p.Phe606Leu (NM_001322015.2, NM_001406875.1, NM_001406877.1 and 5 more transcripts); c.2313C>A, p.Phe771Leu (NM_001406866.1); and 13 more; short protein forms F398L, F554L, F587L, F606L, F643L, F308L, F551L, F603L.
Identifiers: ClinVar variation 1786330 (VCV001786330.7), dbSNP rs199943748, ClinGen allele CA366737934.